The following is an entry in ClinVar:

NM_001130823.3(DNMT1):c.4895A>G (p.Asp1632Gly)

Gene: DNMT1 (DNA methyltransferase 1; minus strand). Cytogenetic location: 19p13.2.
Variant type: single nucleotide variant.
Coding change: c.4895A>G on transcript NM_001130823.3 (MANE Select); coding-DNA position 4895, A replaced by G.
Protein change: p.Asp1632Gly; replaces aspartic acid 1632 with glycine.
Molecular consequence: missense variant.
Genome position (GRCh38, 1-based): chr19:10,133,671, T>C on the plus strand (A>G on the coding strand, the complement: DNMT1 is on the minus strand). VCF-style: chr19-10133671-T-C. GRCh37 (hg19) VCF-style: chr19-10244347-T-C.
Other names: c.4856A>G, p.Asp1619Gly (NM_001318730.2); c.4532A>G, p.Asp1511Gly (NM_001318731.2); c.4847A>G, p.Asp1616Gly (NM_001379.4); short protein forms D1511G, D1616G, D1619G, D1632G.
Identifiers: ClinVar variation 1719505 (VCV001719505.5), dbSNP rs2513758593, ClinGen allele CA403966896.

ClinVar aggregate classification (germline): Uncertain significance (1 of 4 stars; one submission).

Conditions:
Hereditary sensory neuropathy-deafness-dementia syndrome. Also called: NEUROPATHY, HEREDITARY SENSORY, WITH HEARING LOSS AND DEMENTIA; Hereditary Sensory and Autonomic Neuropathy Type 1E (HSAN1E); HSN IE; Hereditary sensory neuropathy type IE. Identifiers: Orphanet 456318, MedGen C3279885, MONDO:0013584, OMIM 614116.

Submission:

Labcorp Genetics (formerly Invitae), Labcorp
Classification: Uncertain significance for Hereditary sensory neuropathy-deafness-dementia syndrome. Last evaluated: 2022-07-29. Review status: criteria provided, single submitter. Criteria: Invitae Variant Classification Sherloc (09022015). Collection method: clinical testing. Allele origin: germline.
Comment: Algorithms developed to predict the effect of missense changes on protein structure and function are either unavailable or do not agree on the potential impact of this missense change (SIFT: "Deleterious"; PolyPhen-2: "Not Available"; Align-GVGD: "Class C0"). In summary, the available evidence is currently insufficient to determine the role of this variant in disease. Therefore, it has been classified as a Variant of Uncertain Significance. This variant has not been reported in the literature in individuals affected with DNMT1-related conditions. This sequence change replaces aspartic acid, which is acidic and polar, with glycine, which is neutral and non-polar, at codon 1632 of the DNMT1 protein (p.Asp1632Gly). This variant is not present in population databases (gnomAD no frequency).